The following is an entry in ClinVar:

NM_058216.3(RAD51C):c.-5C>T

Gene: RAD51C (RAD51 paralog C; plus strand). Cytogenetic location: 17q22.
Variant type: single nucleotide variant.
Coding change: c.-5C>T on transcript NM_058216.3 (MANE Select); 5 bases upstream of the start codon, C replaced by T.
Molecular consequence: 5 prime UTR variant. On other transcripts: non-coding transcript variant (2).
Genome position (GRCh38, 1-based): chr17:58,692,639, C>T. VCF-style: chr17-58692639-C-T. GRCh37 (hg19) VCF-style: chr17-56770000-C-T.
Other names: c.-5C>T (NM_002876.4).
Identifiers: ClinVar variation 230283 (VCV000230283.16), dbSNP rs876658482, ClinGen allele CA10580716.

ClinVar aggregate classification (germline): Uncertain significance. Review status: criteria provided, multiple submitters, no conflicts (2 of 4 stars). 3 submissions from 3 submitters: Uncertain significance (3). Last evaluated 2025-06-09.

Conditions:
Hereditary cancer-predisposing syndrome. Also called: Hereditary neoplastic syndrome; Hereditary Cancer Syndrome; Neoplastic Syndromes, Hereditary; Tumor predisposition. Identifiers: Orphanet 140162, MedGen C0027672, MeSH D009386, MONDO:0015356.

Allele frequency attached by ClinVar (database versions not stated): gnomAD exomes 0.00001; TOPMed 0.00002.
gnomAD v4.1: 21 of 1,614,064 alleles (0.0013%); highest among the groups gnomAD compares: African/African-American, 0.0013%; no homozygotes.

Submissions (3):

Ambry Genetics
Classification: Uncertain significance for Hereditary cancer-predisposing syndrome. Last evaluated: 2025-06-09. Review status: criteria provided, single submitter. Criteria: Ambry Variant Classification Scheme 2023. Collection method: clinical testing. Allele origin: germline.
Comment: The c.-5C>T variant is located in the 5' untranslated region (5&rsquo; UTR) of the RAD51C gene. This variant results from a C to T substitution 5 bases upstream from the first translated codon. This nucleotide position is well conserved in available vertebrate species. Based on the available evidence, the clinical significance of this variant remains unclear.

GeneDx
Classification: Uncertain significance. Last evaluated: 2022-09-20. Review status: criteria provided, single submitter. Criteria: GeneDx Variant Classification Process June 2021. Collection method: clinical testing. Allele origin: germline. Affected: yes.
Comment: Describes a nucleotide substitution 5 base pairs upstream of the ATG translational start site, occurring in the Kozak sequence, the conserved nucleotides just upstream of the ATG start codon, which play a major role in the initiation of translation; Nucleotide substitution has no predicted effect on splicing and is not conserved across species; Not observed at significant frequency in large population cohorts (gnomAD); Has not been previously published as pathogenic or benign to our knowledge

Color Diagnostics, LLC DBA Color Health
Classification: Uncertain significance for Hereditary cancer-predisposing syndrome. Last evaluated: 2022-01-06. Review status: criteria provided, single submitter. Criteria: ACMG Guidelines, 2015. Collection method: clinical testing. Allele origin: germline.
Comment: This variant is located in the 5' untranslated region of the RAD51C gene. To our knowledge, functional studies have not been reported for this variant. This variant has not been reported in individuals affected with hereditary cancer in the literature. This variant has not been identified in the general population by the Genome Aggregation Database (gnomAD). The available evidence is insufficient to determine the role of this variant in disease conclusively. Therefore, this variant is classified as a Variant of Uncertain Significance.